The following is an entry in ClinVar:

NM_001004051.4(GPRASP2):c.2330T>C (p.Ile777Thr)

Genes: ARMCX5-GPRASP2 (ARMCX5-GPRASP2 readthrough; plus strand), GPRASP2 (G protein-coupled receptor associated sorting protein 2; plus strand). Cytogenetic location: Xq22.1.
Variant type: single nucleotide variant.
Coding change: c.2330T>C on transcript NM_001004051.4 (MANE Select); coding-DNA position 2330, T replaced by C.
Protein change: p.Ile777Thr; replaces isoleucine 777 with threonine.
Molecular consequence: missense variant. On other transcripts: intron variant (3).
Genome position (GRCh38, 1-based): chrX:102,717,199, T>C. VCF-style: chrX-102717199-T-C. GRCh37 (hg19) VCF-style: chrX-101972127-T-C.
Other names: c.2330T>C, p.Ile777Thr (NM_001199818.1, NM_001184874.3, NM_001184875.3 and 2 more transcripts); c.-820+2933T>C (NM_001350268.2); c.-752+2933T>C (NM_001350269.2); c.-721+2933T>C (NM_001350270.1); short protein forms I777T.
Identifiers: ClinVar variation 4978596 (VCV004978596.1).

ClinVar aggregate classification (germline): Uncertain significance (1 of 4 stars; one submission).

Conditions:
GPRASP2-related disorder. Also called: GPRASP2-related condition.

gnomAD v4.1: 62 of 1,129,553 alleles (0.0055%); highest among the groups gnomAD compares: Non-Finnish European, 0.0068%; no homozygotes.

Submission:

PreventionGenetics, part of Exact Sciences
Classification: Uncertain significance for GPRASP2-related condition. Last evaluated: 2026-07-01. Review status: criteria provided, single submitter. Criteria: ACMG Guidelines, 2015. Collection method: clinical testing. Allele origin: germline.
Comment: The GPRASP2 c.2330T>C variant is predicted to result in the amino acid substitution p.Ile777Thr. To our knowledge, this variant has not been reported in the literature. This variant is reported in 0.011% of alleles in individuals of African descent in gnomAD. At this time, the clinical significance of this variant is uncertain due to the absence of conclusive functional and genetic evidence.